The following is an entry in ClinVar:

NM_001148.6(ANK2):c.11215G>T (p.Ala3739Ser)

Gene: ANK2 (ankyrin 2; plus strand). Cytogenetic location: 4q26.
Variant type: single nucleotide variant.
Coding change: c.11215G>T on transcript NM_001148.6 (MANE Select); coding-DNA position 11215, G replaced by T.
Protein change: p.Ala3739Ser; replaces alanine 3739 with serine.
Molecular consequence: missense variant.
Genome position (GRCh38, 1-based): chr4:113,367,748, G>T. VCF-style: chr4-113367748-G-T. GRCh37 (hg19) VCF-style: chr4-114288904-G-T.
Other names: c.4774G>T, p.Ala1592Ser (NM_001354266.2, NM_001354267.2, NM_001354276.2 and 2 more transcripts); c.4762G>T, p.Ala1588Ser (NM_001354268.2); c.4747G>T, p.Ala1583Ser (NM_001354269.3); c.4735G>T, p.Ala1579Ser (NM_001354270.2, NM_001354253.2); c.4675G>T, p.Ala1559Ser (NM_001354271.2, NM_001386151.1, NM_001354260.2); c.4831G>T, p.Ala1611Ser (NM_001354272.2); c.4660G>T, p.Ala1554Ser (NM_001354273.2); c.4726G>T, p.Ala1576Ser (NM_001354274.2, NM_001386154.1); and 35 more; short protein forms A1493S, A1526S, A1554S, A1559S, A1567S, A1576S, A1579S, A1581S.
Identifiers: ClinVar variation 3381338 (VCV003381338.1).

ClinVar aggregate classification (germline): Uncertain significance (1 of 4 stars; one submission).

gnomAD v4.1: 2 of 1,613,376 alleles (0.00012%); highest among the groups gnomAD compares: East Asian, 0.0045%; no homozygotes.

Submission:

GeneDx
Classification: Uncertain significance. Last evaluated: 2024-05-24. Review status: criteria provided, single submitter. Criteria: GeneDx Variant Classification Process June 2021. Collection method: clinical testing. Allele origin: germline. Affected: yes.
Comment: Not observed at significant frequency in large population cohorts (gnomAD); In silico analysis indicates that this missense variant does not alter protein structure/function; Has not been previously published as pathogenic or benign to our knowledge